The following is an entry in ClinVar:

ClinVar aggregate classification (germline): Pathogenic/Likely pathogenic. Review status: criteria provided, multiple submitters, no conflicts (2 of 4 stars). 2 submissions from 2 submitters: Pathogenic (1); Likely pathogenic (1). Last evaluated 2021-10-27.

Conditions:
Marfan syndrome (MFS). Also called: Marfan syndrome, classic; Marfan syndrome type 1; Marfan's syndrome; MARFAN SYNDROME, TYPE I; FBN1-Related Marfan Syndrome. Identifiers: Orphanet 284963, Orphanet 558, MedGen C0024796, MONDO:0007947, OMIM 154700.
Familial thoracic aortic aneurysm and aortic dissection (TAAD). Also called: Thoracic aortic aneurysms and dissections. Identifiers: Orphanet 91387, MedGen C4707243, MONDO:0019625.

Submissions (2):

Labcorp Genetics (formerly Invitae), Labcorp
Classification: Pathogenic for Marfan syndrome; Familial thoracic aortic aneurysm and aortic dissection. Last evaluated: 2021-10-27. Review status: criteria provided, single submitter. Criteria: Invitae Variant Classification Sherloc (09022015). Collection method: clinical testing. Allele origin: germline.
Comment: This sequence change replaces cysteine, a(n) neutral and slightly polar amino acid, with phenylalanine, a(n) neutral and non-polar amino acid, at codon 1461 of the FBN1 protein (p.Cys1461Phe). ClinVar contains an entry for this variant (Variation ID: 387780). This missense change has been observed in individual(s) with clinical features of FBN1-related conditions (Invitae). This variant is not present in population databases (gnomAD no frequency). For these reasons, this variant has been classified as Pathogenic. This variant disrupts the p.Cys1461 amino acid residue in FBN1. Other variant(s) that disrupt this residue have been observed in individuals with FBN1-related conditions (PMID: 25053872; Invitae), which suggests that this may be a clinically significant amino acid residue. This variant affects a cysteine residue in the EGF-like, TGFBP or hybrid motif domains of FBN1. Cysteine residues are believed to be involved in intramolecular disulfide bridges and have been shown to be important for FBN1 protein structure (PMID: 16905551, 19349279). In addition, missense substitutions affecting cysteine residues within these domains are significantly overrepresented among patients with Marfan syndrome (PMID: 16571647, 17701892). Advanced modeling of protein sequence and biophysical properties (such as structural, functional, and spatial information, amino acid conservation, physicochemical variation, residue mobility, and thermodynamic stability) performed at Invitae indicates that this missense variant is expected to disrupt FBN1 protein function.

GeneDx
Classification: Likely pathogenic. Last evaluated: 2016-07-20. Review status: criteria provided, single submitter. Criteria: GeneDx Variant Classification (06012015). Collection method: clinical testing. Allele origin: germline. Affected: yes.
Comment: A novel C1461F variant that is likely pathogenic was identified in the FBN1 gene. This variant has not been published as a pathogenic variant, nor has it been reported as a benign variant to our knowledge. The C1461F variant was not observed in approximately 6,500 individuals of European and African American ancestry in the NHLBI Exome Sequencing Project, indicating it is not a common benign variant in these populations. The C1461F variant is a non-conservative amino acid substitution, which is likely to impact secondary protein structure as these residues differ in polarity, charge, size and/or other properties. This substitution occurs at a position that is conserved across species and in silico analysis predicts this variant is probably damaging to the protein structure/function. Missense variants in nearby residues (C1456Y; C1456S; N1463S) and a different missense variant in same residue (C1461R) have been reported in the Human Gene Mutation Database in association with Marfan syndrome (Stenson et al., 2014), supporting the functional importance of this residue and region of the protein. Furthermore, the C1461F variant affects a Cysteine residue within a calcium-binding EGF-like domain of the FBN1 gene, which may affect disulfide bonding and is predicted to alter the structure and function of the protein. Cysteine substitutions in the calcium-binding EGF-like domains represent the majority of pathogenic missense changes associated with Marfan syndrome (Collod-Beroud et al., 2003). However, to our knowledge no studies have been performed to definitively determine the functional effect of the C1461F variant.Therefore, this variant is likely pathogenic. In order to definitively determine its clinical significance, additional data is required.

Literature cited by the submitters: PubMed 25053872 (cited by Labcorp Genetics (formerly Invitae), Labcorp); PubMed 16905551 (cited by Labcorp Genetics (formerly Invitae), Labcorp); PubMed 19349279 (cited by Labcorp Genetics (formerly Invitae), Labcorp); PubMed 16571647 (cited by Labcorp Genetics (formerly Invitae), Labcorp); PubMed 17701892 (cited by Labcorp Genetics (formerly Invitae), Labcorp).

NM_000138.5(FBN1):c.4382G>T (p.Cys1461Phe)

Gene: FBN1 (fibrillin 1; minus strand). Cytogenetic location: 15q21.1.
Variant type: single nucleotide variant.
Coding change: c.4382G>T on transcript NM_000138.5 (MANE Select); coding-DNA position 4382, G replaced by T.
Protein change: p.Cys1461Phe; replaces cysteine 1461 with phenylalanine.
Molecular consequence: missense variant.
Genome position (GRCh38, 1-based): chr15:48,470,711, C>A on the plus strand (G>T on the coding strand, the complement: FBN1 is on the minus strand). VCF-style: chr15-48470711-C-A. GRCh37 (hg19) VCF-style: chr15-48762908-C-A.
Other names: short protein forms C1461F.
Identifiers: ClinVar variation 387780 (VCV000387780.7), dbSNP rs1057522902, ClinGen allele CA16606704.